The following is an entry in ClinVar:

NM_198586.3(NHLRC1):c.269T>C (p.Ile90Thr)

Gene: NHLRC1 (NHL repeat containing E3 ubiquitin protein ligase 1; minus strand). Cytogenetic location: 6p22.3.
Variant type: single nucleotide variant.
Coding change: c.269T>C on transcript NM_198586.3 (MANE Select); coding-DNA position 269, T replaced by C.
Protein change: p.Ile90Thr; replaces isoleucine 90 with threonine.
Molecular consequence: missense variant.
Genome position (GRCh38, 1-based): chr6:18,122,338, A>G on the plus strand (T>C on the coding strand, the complement: NHLRC1 is on the minus strand). VCF-style: chr6-18122338-A-G. GRCh37 (hg19) VCF-style: chr6-18122569-A-G.
Other names: short protein forms I90T.
Identifiers: ClinVar variation 650494 (VCV000650494.4), dbSNP rs1582030401, ClinGen allele CA362829062.
Genomic context (GRCh38, chr6:18,122,338, plus strand): 5'-GCGCTGGGGGCGGCGCGATGGGCGGCCGGGGACTGGCGAAGCGCTGAGCCCAGGAGCTCT[A>G]TGAGGTGCAGCACCGGCAGGCAGTCGCTGGTGTCGCAGCCCCGGCAAGCTCGCCTGCAGA-3'
Protein context (NP_940988.2, residues 80-100): TSDCLPVLHL[Ile90Thr]ELLGSALRQS

ClinVar aggregate classification (germline): Uncertain significance (1 of 4 stars; one submission).

Conditions:
Lafora disease. Also called: Epilepsy progressive myoclonic 2. Identifiers: Orphanet 501, MedGen C0751783, MONDO:0009697.

Submission:

Labcorp Genetics (formerly Invitae), Labcorp
Classification: Uncertain significance for Lafora disease. Last evaluated: 2021-10-10. Review status: criteria provided, single submitter. Criteria: Invitae Variant Classification Sherloc (09022015). Collection method: clinical testing. Allele origin: germline.
Comment: This sequence change replaces isoleucine with threonine at codon 90 of the NHLRC1 protein (p.Ile90Thr). The isoleucine residue is weakly conserved and there is a moderate physicochemical difference between isoleucine and threonine. This variant is not present in population databases (ExAC no frequency). This variant has not been reported in the literature in individuals affected with NHLRC1-related conditions. Algorithms developed to predict the effect of missense changes on protein structure and function are either unavailable or do not agree on the potential impact of this missense change (SIFT: "Deleterious"; PolyPhen-2: "Benign"; Align-GVGD: "Class C45"). In summary, the available evidence is currently insufficient to determine the role of this variant in disease. Therefore, it has been classified as a Variant of Uncertain Significance.